The following is an entry in ClinVar:

NM_000038.6(APC):c.5460C>T (p.Ser1820=)

Gene: APC (APC regulator of Wnt signaling pathway; plus strand). Cytogenetic location: 5q22.2.
Variant type: single nucleotide variant.
Coding change: c.5460C>T on transcript NM_000038.6 (MANE Select); coding-DNA position 5460, C replaced by T.
Protein change: p.Ser1820=; no amino-acid change (serine 1820 retained).
Molecular consequence: synonymous variant. On other transcripts: non-coding transcript variant (2).
Genome position (GRCh38, 1-based): chr5:112,841,054, C>T. VCF-style: chr5-112841054-C-T. GRCh37 (hg19) VCF-style: chr5-112176751-C-T.
Other names: c.5460C>T, p.Ser1820= (NM_001127510.3, NM_001354895.2, NM_001407450.1); c.5406C>T, p.Ser1802= (NM_001127511.3); c.5514C>T, p.Ser1838= (NM_001354896.2, NM_001407447.1, NM_001407448.1 and 1 more transcripts); c.5490C>T, p.Ser1830= (NM_001354897.2); c.5385C>T, p.Ser1795= (NM_001354898.2); c.5376C>T, p.Ser1792= (NM_001354899.2); c.5337C>T, p.Ser1779= (NM_001354900.2); c.5283C>T, p.Ser1761= (NM_001354901.2, NM_001407453.1); and 12 more.
Identifiers: ClinVar variation 3254009 (VCV003254009.2), dbSNP rs2149940725.

ClinVar aggregate classification (germline): Benign/Likely benign. Review status: criteria provided, multiple submitters, no conflicts (2 of 4 stars). 2 submissions from 2 submitters: Benign (1); Likely benign (1). Last evaluated 2025-07-25.

Conditions:
Hereditary cancer-predisposing syndrome. Also called: Hereditary neoplastic syndrome; Neoplastic Syndromes, Hereditary; Tumor predisposition; Hereditary Cancer Syndrome. Identifiers: Orphanet 140162, MedGen C0027672, MeSH D009386, MONDO:0015356.
Familial adenomatous polyposis 1 (FAP1). Also called: POLYPOSIS, ADENOMATOUS INTESTINAL; FAMILIAL ADENOMATOUS POLYPOSIS 1, ATTENUATED. Identifiers: MedGen C2713442, MONDO:0021056, OMIM 175100. Disease mechanism: loss of function.

Allele frequency attached by ClinVar (database versions not stated): gnomAD exomes below 0.00001.
gnomAD v4.1: 1 of 1,611,848 alleles (0.000062%); highest among the groups gnomAD compares: Non-Finnish European, 0.000085%; no homozygotes.

Submissions (2):

Ambry Genetics
Classification: Likely benign for Hereditary cancer-predisposing syndrome. Last evaluated: 2025-07-25. Review status: criteria provided, single submitter. Criteria: Ambry Variant Classification Scheme 2023. Collection method: clinical testing. Allele origin: germline.

Myriad Genetics, Inc.
Classification: Benign for Familial adenomatous polyposis 1. Last evaluated: 2024-04-02. Review status: criteria provided, single submitter. Criteria: Myriad Autosomal Dominant, Autosomal Recessive and X-Linked Classification Criteria (2023). Collection method: clinical testing. Allele origin: unknown.
Comment: This variant is considered benign. This variant is a silent/synonymous amino acid change and it is not expected to impact splicing.